The following is an entry in ClinVar:

ClinVar aggregate classification (germline): Uncertain significance. Review status: criteria provided, multiple submitters, no conflicts (2 of 4 stars). 2 submissions from 2 submitters: Uncertain significance (2). Last evaluated 2026-07-20.

Conditions:
ZNF423-related disorder. Also called: ZNF423-related condition.

gnomAD v4.1: 5 of 1,614,174 alleles (0.00031%); highest among the groups gnomAD compares: Non-Finnish European, 0.00042%; no homozygotes.

Submissions (2):

PreventionGenetics, part of Exact Sciences
Classification: Uncertain significance for ZNF423-related condition. Last evaluated: 2026-07-20. Review status: criteria provided, single submitter. Criteria: ACMG Guidelines, 2015. Collection method: clinical testing. Allele origin: germline.
Comment: The ZNF423 c.1427A>G variant is predicted to result in the amino acid substitution p.Asn476Ser. To our knowledge, this variant has not been reported in the literature or in a large population database (gnomAD), indicating this variant is rare. At this time, the clinical significance of this variant is uncertain due to the absence of conclusive functional and genetic evidence.

Blueprint Genetics
Classification: Uncertain significance. Last evaluated: 2017-10-09. Review status: criteria provided, single submitter. Criteria: ACMG Guidelines, 2015. Collection method: clinical testing. Allele origin: germline.

NM_001379286.1(ZNF423):c.1451A>G (p.Asn484Ser)

Gene: ZNF423 (zinc finger protein 423; minus strand). Cytogenetic location: 16q12.1.
Variant type: single nucleotide variant.
Coding change: c.1451A>G on transcript NM_001379286.1 (MANE Select); coding-DNA position 1451, A replaced by G.
Protein change: p.Asn484Ser; replaces asparagine 484 with serine.
Molecular consequence: missense variant.
Genome position (GRCh38, 1-based): chr16:49,637,725, T>C on the plus strand (A>G on the coding strand, the complement: ZNF423 is on the minus strand). VCF-style: chr16-49637725-T-C. GRCh37 (hg19) VCF-style: chr16-49671636-T-C.
Other names: c.1247A>G, p.Asn416Ser (NM_001271620.2); c.1076A>G, p.Asn359Ser (NM_001330533.2); c.1427A>G, p.Asn476Ser (NM_015069.5); c.1427A>G (NM_015069.4); short protein forms N484S, N476S, N416S, N359S.
Identifiers: ClinVar variation 4929764 (VCV004929764.2).